The following is an entry in ClinVar:

NM_022168.4(IFIH1):c.322G>A (p.Glu108Lys)

Gene: IFIH1 (interferon induced with helicase C domain 1; minus strand). Cytogenetic location: 2q24.2.
Variant type: single nucleotide variant.
Coding change: c.322G>A on transcript NM_022168.4 (MANE Select); coding-DNA position 322, G replaced by A.
Protein change: p.Glu108Lys; replaces glutamic acid 108 with lysine.
Molecular consequence: missense variant.
Genome position (GRCh38, 1-based): chr2:162,317,986, C>T on the plus strand (G>A on the coding strand, the complement: IFIH1 is on the minus strand). VCF-style: chr2-162317986-C-T. GRCh37 (hg19) VCF-style: chr2-163174496-C-T.
Other names: short protein forms E108K.
Identifiers: ClinVar variation 2090946 (VCV002090946.4), dbSNP rs2469005629, ClinGen allele CA349013619.

ClinVar aggregate classification (germline): Uncertain significance (1 of 4 stars; one submission).

Conditions:
Singleton-Merten syndrome 1 (SGMRT1). Also called: Widened medullary cavities of bone, aortic calcification, abnormal dentition, and muscular weakness; Syndrome of widened medullary cavities of the metacarpals and phalanges, aortic calcification and abnormal dentition. Identifiers: Orphanet 85191, MedGen C4225427, MONDO:0024535, OMIM 182250.
Aicardi-Goutieres syndrome 7 (AGS7). Identifiers: Orphanet 51, MedGen C3888244, MONDO:0014367, OMIM 615846.

Submission:

Labcorp Genetics (formerly Invitae), Labcorp
Classification: Uncertain significance for Aicardi-Goutieres syndrome 7; Singleton-Merten syndrome 1. Last evaluated: 2022-11-22. Review status: criteria provided, single submitter. Criteria: Invitae Variant Classification Sherloc (09022015). Collection method: clinical testing. Allele origin: germline.
Comment: In summary, the available evidence is currently insufficient to determine the role of this variant in disease. Therefore, it has been classified as a Variant of Uncertain Significance. Advanced modeling of protein sequence and biophysical properties (such as structural, functional, and spatial information, amino acid conservation, physicochemical variation, residue mobility, and thermodynamic stability) has been performed at Invitae for this missense variant, however the output from this modeling did not meet the statistical confidence thresholds required to predict the impact of this variant on IFIH1 protein function. This variant has not been reported in the literature in individuals affected with IFIH1-related conditions. This variant is not present in population databases (gnomAD no frequency). This sequence change replaces glutamic acid, which is acidic and polar, with lysine, which is basic and polar, at codon 108 of the IFIH1 protein (p.Glu108Lys).